The following is an entry in ClinVar:

ClinVar aggregate classification (germline): Conflicting classifications of pathogenicity. Review status: criteria provided, conflicting classifications (1 of 4 stars). 3 submissions from 3 submitters: Uncertain significance (1); Benign (1); Likely benign (1). Last evaluated 2026-05-01.

Conditions:
Inborn genetic diseases. Identifiers: MedGen C0950123, MeSH D030342.
CHARGE syndrome (CHARGE). Also called: Coloboma, heart anomaly, choanal atresia, retardation, genital and ear anomalies; CHARGE association; Hall-Hittner syndrome; Hittner Hirsch Kreh syndrome; CHARGE ASSOCIATION--COLOBOMA, HEART ANOMALY, CHOANAL ATRESIA, RETARDATION, GENITAL AND EAR ANOMALIES. Identifiers: Orphanet 138, MedGen C0265354, MONDO:0008965.

Allele frequency attached by ClinVar (database versions not stated): ExAC 0.00004.
gnomAD v4.1: 18 of 1,613,718 alleles (0.0011%); highest among the groups gnomAD compares: South Asian, 0.02%; 2 homozygotes.

Submissions (3):

CeGaT Center for Human Genetics Tuebingen
Classification: Likely benign. Last evaluated: 2026-05-01. Review status: criteria provided, single submitter. Criteria: CeGaT Center For Human Genetics Tuebingen Variant Classification Criteria Version 2. Collection method: clinical testing. Allele origin: germline. Affected: yes. Observed: 1 variant allele.
Comment: CHD7: BP4

Labcorp Genetics (formerly Invitae), Labcorp
Classification: Benign for CHARGE syndrome. Last evaluated: 2024-11-30. Review status: criteria provided, single submitter. Criteria: Invitae Variant Classification Sherloc (09022015). Collection method: clinical testing. Allele origin: germline.

Ambry Genetics
Classification: Uncertain significance for Inborn genetic diseases. Last evaluated: 2022-12-16. Review status: criteria provided, single submitter. Criteria: Ambry Variant Classification Scheme 2023. Collection method: clinical testing. Allele origin: germline.
Comment: The p.N429H variant (also known as c.1285A>C), located in coding exon 1 of the CHD7 gene, results from an A to C substitution at nucleotide position 1285. The asparagine at codon 429 is replaced by histidine, an amino acid with similar properties. This amino acid position is conserved. In addition, this alteration is predicted to be tolerated by in silico analysis. Since supporting evidence is limited at this time, the clinical significance of this alteration remains unclear.

NM_017780.4(CHD7):c.1285A>C (p.Asn429His)

Gene: CHD7 (chromodomain helicase DNA binding protein 7; plus strand). Cytogenetic location: 8q12.2.
Variant type: single nucleotide variant.
Coding change: c.1285A>C on transcript NM_017780.4 (MANE Select); coding-DNA position 1285, A replaced by C.
Protein change: p.Asn429His; replaces asparagine 429 with histidine.
Molecular consequence: missense variant.
Genome position (GRCh38, 1-based): chr8:60,742,717, A>C. VCF-style: chr8-60742717-A-C. GRCh37 (hg19) VCF-style: chr8-61655276-A-C.
Other names: c.1285A>C (NM_017780.3); c.1285A>C, p.Asn429His (NM_001316690.1); short protein forms N429H.
Identifiers: ClinVar variation 1512113 (VCV001512113.11), dbSNP rs771200821, ClinGen allele CA4759464.